The following is an entry in ClinVar:

NM_001142800.2(EYS):c.1262A>G (p.Asn421Ser)

Gene: EYS (EGF-like photoreceptor maintenance factor; minus strand). Cytogenetic location: 6q12.
Variant type: single nucleotide variant.
Coding change: c.1262A>G on transcript NM_001142800.2 (MANE Select); coding-DNA position 1262, A replaced by G.
Protein change: p.Asn421Ser; replaces asparagine 421 with serine.
Molecular consequence: missense variant.
Genome position (GRCh38, 1-based): chr6:65,384,423, T>C on the plus strand (A>G on the coding strand, the complement: EYS is on the minus strand). VCF-style: chr6-65384423-T-C. GRCh37 (hg19) VCF-style: chr6-66094316-T-C.
Other names: c.1262A>G, p.Asn421Ser (NM_001142801.2, NM_001292009.2, NM_198283.2); short protein forms N421S.
Identifiers: ClinVar variation 1979885 (VCV001979885.2), dbSNP rs1189048892, ClinGen allele CA364662060.
Genomic context (GRCh38, chr6:65,384,423, plus strand): 5'-TTGCCATGTATTAAATTACTTACTTTGAATCTTCCAATTATATTGAAACACCATTCTTCA[T>C]TCAGACAGTTGATGCTGAGCAGTTTACAGTGGTCAATTGCTTTCTCACAGTTTTTTTCAG-3'
Protein context (NP_001136272.1, residues 411-431): HCKLLSINCL[Asn421Ser]EEWCFNIIGR

ClinVar aggregate classification (germline): Uncertain significance. Review status: criteria provided, multiple submitters, no conflicts (2 of 4 stars). 2 submissions from 2 submitters: Uncertain significance (2). Last evaluated 2023-03-30.

Allele frequency attached by ClinVar (database versions not stated): TOPMed below 0.00001; gnomAD 0.00001; gnomAD exomes 0.00001.

Submissions (2):

Blueprint Genetics
Classification: Uncertain significance. Last evaluated: 2023-03-30. Review status: criteria provided, single submitter. Criteria: ACMG Guidelines, 2015. Collection method: clinical testing. Allele origin: germline.

Labcorp Genetics (formerly Invitae), Labcorp
Classification: Uncertain significance. Last evaluated: 2022-06-29. Review status: criteria provided, single submitter. Criteria: Invitae Variant Classification Sherloc (09022015). Collection method: clinical testing. Allele origin: germline.
Comment: This sequence change replaces asparagine, which is neutral and polar, with serine, which is neutral and polar, at codon 421 of the EYS protein (p.Asn421Ser). This variant is present in population databases (no rsID available, gnomAD 0.003%). This variant has not been reported in the literature in individuals affected with EYS-related conditions. Algorithms developed to predict the effect of missense changes on protein structure and function are either unavailable or do not agree on the potential impact of this missense change (SIFT: "Deleterious"; PolyPhen-2: "Benign"; Align-GVGD: "Class C45"). In summary, the available evidence is currently insufficient to determine the role of this variant in disease. Therefore, it has been classified as a Variant of Uncertain Significance.